The following is an entry in ClinVar:

NM_001034853.2(RPGR):c.690C>A (p.Gly230=)

Gene: RPGR (retinitis pigmentosa GTPase regulator; minus strand). Cytogenetic location: Xp11.4.
Variant type: single nucleotide variant.
Coding change: c.690C>A on transcript NM_001034853.2 (MANE Select); coding-DNA position 690, C replaced by A.
Protein change: p.Gly230=; no amino-acid change (glycine 230 retained).
Molecular consequence: synonymous variant. On other transcripts: non-coding transcript variant (6).
Genome position (GRCh38, 1-based): chrX:38,310,703, G>T on the plus strand (C>A on the coding strand, the complement: RPGR is on the minus strand). VCF-style: chrX-38310703-G-T. GRCh37 (hg19) VCF-style: chrX-38169956-G-T.
Other names: NM_001034853.2(RPGR):c.690C>A; p.Gly230=; c.690C>A, p.Gly230= (NM_000328.3, NM_001367246.1, NM_001367247.1 and 1 more transcripts); c.687C>A, p.Gly229= (NM_001367245.1, NM_001367249.1, NM_001367250.1); c.720C>A, p.Gly240= (NM_001367248.1).
Identifiers: ClinVar variation 2080996 (VCV002080996.5), dbSNP rs370173004, ClinGen allele CA10385604.

ClinVar aggregate classification (germline): Likely benign. Review status: reviewed by expert panel (3 of 4 stars). 2 submissions from 2 submitters: Likely benign (1). 1 of the submissions does not count toward it. Last evaluated 2026-11-20.

Conditions:
Primary ciliary dyskinesia. Also called: Ciliary dyskinesia. Identifiers: Orphanet 244, MedGen C0008780, MONDO:0016575, HP:0012265.
RPGR-related retinopathy. Also called: RPGR retinopathy. Identifiers: MedGen CN305589, MONDO:0100437.

Allele frequency attached by ClinVar (database versions not stated): gnomAD exomes 0.00001; ExAC 0.00003; gnomAD 0.00003; TOPMed 0.00003; ESP Exome Variant Server 0.00009.
gnomAD v4.1: 18 of 1,208,046 alleles (0.0015%); highest among the groups gnomAD compares: Admixed American, 0.0044%; no homozygotes.

Submissions (2):

ClinGen X-linked Inherited Retinal Disease Variant Curation Expert Panel, ClinGen
Classification: Likely benign for RPGR-related retinopathy. Last evaluated: 2026-11-20. Review status: reviewed by expert panel. Criteria: ClinGen X LinkedIRD ACMG Specifications RPGR V1.0.0. Collection method: curation. Allele origin: germline. Inheritance: X-linked inheritance.
Comment: NM_001034853.2(RPGR):c.690C>A is a silent variant at codon 230 that does not have an impact on splicing sites, according to Splice AI, which predicts a delta score of 0.01 for all splicing types, which is below the ClinGen X-linked IRD VCEP recommended threshold of <0.1 and does not strongly predict an impact on splicing (BP7, BP4). This variant is present in gnomAD v.4.1.2 at a frequency of 0.00001011 among hemizygous individuals, with 4 variant alleles / 395646 total hemizygous alleles, which is higher than the ClinGen X-linked IRD VCEP BS1 threshold of > 0.000005 (BS1). In summary, this variant is classified as likely benign for RPGR-related retinopathy based on the ACMG/AMP criteria applied, as specified by the ClinGen X-linked IRD VCEP: BS1, BP4, and BP7.

Labcorp Genetics (formerly Invitae), Labcorp
Classification: Likely benign for Primary ciliary dyskinesia. Last evaluated: 2024-01-08. Review status: criteria provided, single submitter. Criteria: Invitae Variant Classification Sherloc (09022015). Collection method: clinical testing. Allele origin: germline. Not counted in ClinVar's aggregate classification.